The following is an entry in ClinVar:

ClinVar aggregate classification (germline): Benign (1 of 4 stars; one submission).

Allele frequency attached by ClinVar (database versions not stated): TOPMed 0.26430; gnomAD 0.24892; 1000 Genomes Project 0.35863; 1000 Genomes Project 30x 0.35337.

Submission:

GeneDx
Classification: Benign. Last evaluated: 2018-06-14. Review status: criteria provided, single submitter. Criteria: GeneDx Variant Classification (06012015). Collection method: clinical testing. Allele origin: germline. Affected: yes.
Comment: This variant is considered likely benign or benign based on one or more of the following criteria: it is a conservative change, it occurs at a poorly conserved position in the protein, it is predicted to be benign by multiple in silico algorithms, and/or has population frequency not consistent with disease.

NM_177550.5(SLC13A5):c.547+221C>A

Gene: SLC13A5 (solute carrier family 13 member 5; minus strand). Cytogenetic location: 17p13.1.
Variant type: single nucleotide variant.
Coding change: c.547+221C>A on transcript NM_177550.5 (MANE Select); 221 bases into the intron after coding-DNA position 547, C replaced by A.
Molecular consequence: intron variant.
Genome position (GRCh38, 1-based): chr17:6,703,657, G>T on the plus strand (C>A on the coding strand, the complement: SLC13A5 is on the minus strand). VCF-style: chr17-6703657-G-T. GRCh37 (hg19) VCF-style: chr17-6606976-G-T.
Other names: c.418+221C>A (NM_001284510.2); c.496+221C>A (NM_001284509.2); c.547+221C>A (NM_001143838.3).
Identifiers: ClinVar variation 670097 (VCV000670097.1), dbSNP rs218675, ClinGen allele CA14493706.